The following is an entry in ClinVar:

ClinVar aggregate classification (germline): Uncertain significance. Review status: criteria provided, multiple submitters, no conflicts (2 of 4 stars). 3 submissions from 3 submitters: Uncertain significance (3). Last evaluated 2025-10-22.

Conditions:
Inborn genetic diseases. Identifiers: MedGen C0950123, MeSH D030342.
Autosomal recessive nonsyndromic hearing loss 63. Identifiers: Orphanet 90636, MedGen C1969621, MONDO:0012670, OMIM 611451.

Allele frequency attached by ClinVar (database versions not stated): gnomAD exomes 0.00001 and 0.00002; gnomAD 0.00001; TOPMed 0.00002.
gnomAD v4.1: 26 of 1,545,742 alleles (0.0017%); highest among the groups gnomAD compares: Non-Finnish European, 0.002%; no homozygotes.

Submissions (3):

Ambry Genetics
Classification: Uncertain significance for Inborn genetic diseases. Last evaluated: 2025-10-22. Review status: criteria provided, single submitter. Criteria: Ambry Variant Classification Scheme 2023. Collection method: clinical testing. Allele origin: germline.

Labcorp Genetics (formerly Invitae), Labcorp
Classification: Uncertain significance. Last evaluated: 2021-09-08. Review status: criteria provided, single submitter. Criteria: Invitae Variant Classification Sherloc (09022015). Collection method: clinical testing. Allele origin: germline.
Comment: This sequence change replaces arginine with cysteine at codon 167 of the LRTOMT protein (p.Arg167Cys). The arginine residue is highly conserved and there is a large physicochemical difference between arginine and cysteine. This variant is not present in population databases (ExAC no frequency). This variant has not been reported in the literature in individuals affected with LRTOMT-related conditions. Algorithms developed to predict the effect of missense changes on protein structure and function output the following: SIFT: "Deleterious"; PolyPhen-2: "Benign"; Align-GVGD: "Class C25". The cysteine amino acid residue is found in multiple mammalian species, which suggests that this missense change does not adversely affect protein function. In summary, the available evidence is currently insufficient to determine the role of this variant in disease. Therefore, it has been classified as a Variant of Uncertain Significance.

Breda Genetics srl
Classification: Uncertain significance for Autosomal recessive nonsyndromic hearing loss 63. Last evaluated: 2021-02-03. Review status: criteria provided, single submitter. Criteria: ACMG Guidelines, 2015. Collection method: clinical testing. Allele origin: germline. Inheritance: Autosomal recessive inheritance. Affected: yes. Observed: 1 variant allele, 1 heterozygote.
Comment: The variant c.499C>T (p.Arg167Cys) in the LRTOMT gene is reported with an estimated allele frequency of 0.000006504 in gnomAD exomes and 0.00003188 in gnomAD genomes, with no homozygous individuals reported. The nucleotide position is moderately conserved across 35 mammalian species (GERP RS: 2.02). In silico analysis indicates that the variant might be damaging.

NM_001145308.5(LRTOMT):c.499C>T (p.Arg167Cys)

Genes: ANAPC15 (anaphase promoting complex subunit 15; minus strand), LRTOMT (leucine rich transmembrane and O-methyltransferase domain containing; plus strand), TOMT (transmembrane O-methyltransferase; plus strand). Cytogenetic location: 11q13.4.
Variant type: single nucleotide variant.
Coding change: c.499C>T on transcript NM_001145308.5; coding-DNA position 499, C replaced by T.
Protein change: p.Arg167Cys; replaces arginine 167 with cysteine.
Molecular consequence: missense variant. On other transcripts: 3 prime UTR variant (3), non-coding transcript variant (1), intron variant (7).
Genome position (GRCh38, 1-based): chr11:72,108,063, C>T. VCF-style: chr11-72108063-C-T. GRCh37 (hg19) VCF-style: chr11-71819109-C-T.
Other names: c.400C>T, p.Arg134Cys (NM_001393500.2); c.499C>T, p.Arg167Cys (NM_001145309.4); c.379C>T, p.Arg127Cys (NM_001145310.4); c.*756G>A (NM_001393443.1, NM_001393444.1, NM_001393445.1); c.64-458G>A (NM_001393459.1); c.319-458G>A (NM_001393430.1, NM_001393429.1, NM_001393428.1 and 3 more transcripts); short protein forms R127C, R134C, R167C.
Identifiers: ClinVar variation 1298368 (VCV001298368.7), dbSNP rs1038978268, ClinGen allele CA224375309.